The following is an entry in ClinVar:

NM_004415.4(DSP):c.3654G>C (p.Lys1218Asn)

Gene: DSP (desmoplakin; plus strand). Cytogenetic location: 6p24.3.
Variant type: single nucleotide variant.
Coding change: c.3654G>C on transcript NM_004415.4 (MANE Select); coding-DNA position 3654, G replaced by C.
Protein change: p.Lys1218Asn; replaces lysine 1218 with asparagine.
Molecular consequence: missense variant. On other transcripts: intron variant (1).
Genome position (GRCh38, 1-based): chr6:7,579,844, G>C. VCF-style: chr6-7579844-G-C. GRCh37 (hg19) VCF-style: chr6-7580077-G-C.
Other names: c.3654G>C, p.Lys1218Asn (NM_001319034.2); c.3582+72G>C (NM_001008844.3); short protein forms K1218N.
Identifiers: ClinVar variation 1959212 (VCV001959212.6), dbSNP rs745348393, ClinGen allele CA038649.

ClinVar aggregate classification (germline): Conflicting classifications of pathogenicity. Review status: criteria provided, conflicting classifications (1 of 4 stars). 2 submissions from 2 submitters: Uncertain significance (1); Likely benign (1). Last evaluated 2024-12-21.

Conditions:
Arrhythmogenic cardiomyopathy with wooly hair and keratoderma. Also called: Arrhythmogenic cardiomyopathy with woolly hair and keratoderma; Carvajal syndrome; PALMOPLANTAR KERATODERMA WITH LEFT VENTRICULAR CARDIOMYOPATHY AND WOOLLY HAIR; Dilated cardiomyopathy with woolly hair and keratoderma. Identifiers: Orphanet 65282, MedGen C1854063, MONDO:0011581, OMIM 605676.
Arrhythmogenic right ventricular dysplasia 8 (ARVD8). Also called: Arrhythmogenic Right Ventricular Dysplasia/Cardiomyopathy 8; ARRHYTHMOGENIC RIGHT VENTRICULAR CARDIOMYOPATHY 8; ARRHYTHMOGENIC RIGHT VENTRICULAR DYSPLASIA, FAMILIAL, 8. Identifiers: MedGen C1843896, MONDO:0011831, OMIM 607450.
Cardiovascular phenotype. Identifiers: MedGen CN230736.

Allele frequency attached by ClinVar (database versions not stated): gnomAD exomes below 0.00001; gnomAD 0.00001; TOPMed 0.00001; ExAC 0.00002.
gnomAD v4.1: 4 of 1,613,924 alleles (0.00025%); highest among the groups gnomAD compares: East Asian, 0.0067%; no homozygotes.

Submissions (2):

Ambry Genetics
Classification: Uncertain significance for Cardiovascular phenotype. Last evaluated: 2024-12-21. Review status: criteria provided, single submitter. Criteria: Ambry Variant Classification Scheme 2023. Collection method: clinical testing. Allele origin: germline.
Comment: The p.K1218N variant (also known as c.3654G>C), located in coding exon 23 of the DSP gene, results from a G to C substitution at nucleotide position 3654. The lysine at codon 1218 is replaced by asparagine, an amino acid with similar properties. This amino acid position is conserved. In addition, the in silico prediction for this alteration is inconclusive. Based on the available evidence, the clinical significance of this variant remains unclear.

Labcorp Genetics (formerly Invitae), Labcorp
Classification: Likely benign for Arrhythmogenic cardiomyopathy with wooly hair and keratoderma; Arrhythmogenic right ventricular dysplasia 8. Last evaluated: 2024-08-12. Review status: criteria provided, single submitter. Criteria: Invitae Variant Classification Sherloc (09022015). Collection method: clinical testing. Allele origin: germline.